The following is an entry in ClinVar:

NM_020247.5(COQ8A):c.1672G>A (p.Ala558Thr)

Gene: COQ8A (coenzyme Q8A; plus strand). Cytogenetic location: 1q42.13.
Variant type: single nucleotide variant.
Coding change: c.1672G>A on transcript NM_020247.5 (MANE Select); coding-DNA position 1672, G replaced by A.
Protein change: p.Ala558Thr; replaces alanine 558 with threonine.
Molecular consequence: missense variant.
Genome position (GRCh38, 1-based): chr1:226,986,465, G>A. VCF-style: chr1-226986465-G-A. GRCh37 (hg19) VCF-style: chr1-227174166-G-A.
Other names: c.1672G>A (NM_020247.4); short protein forms A558T.
Identifiers: ClinVar variation 1916274 (VCV001916274.4), dbSNP rs142894121, ClinGen allele CA1425632.

ClinVar aggregate classification (germline): Uncertain significance. Review status: criteria provided, multiple submitters, no conflicts (2 of 4 stars). 2 submissions from 2 submitters: Uncertain significance (2). Last evaluated 2025-12-16.

Allele frequency attached by ClinVar (database versions not stated): gnomAD 0.00001; gnomAD exomes 0.00001; TOPMed 0.00001; ExAC 0.00003; ESP Exome Variant Server 0.00008; 1000 Genomes Project 30x 0.00016; 1000 Genomes Project 0.00020.
gnomAD v4.1: 14 of 1,612,538 alleles (0.00087%); highest among the groups gnomAD compares: Non-Finnish European, 0.0012%; no homozygotes.

Submissions (2):

Labcorp Genetics (formerly Invitae), Labcorp
Classification: Uncertain significance. Last evaluated: 2025-12-16. Review status: criteria provided, single submitter. Criteria: Invitae Variant Classification Sherloc (09022015). Collection method: clinical testing. Allele origin: germline.
Comment: This sequence change replaces alanine, which is neutral and non-polar, with threonine, which is neutral and polar, at codon 558 of the COQ8A protein (p.Ala558Thr). This variant is present in population databases (rs142894121, gnomAD 0.004%). This variant has not been reported in the literature in individuals affected with COQ8A-related conditions. ClinVar contains an entry for this variant (Variation ID: 1916274). Invitae Evidence Modeling of protein sequence and biophysical properties (such as structural, functional, and spatial information, amino acid conservation, physicochemical variation, residue mobility, and thermodynamic stability) has been performed for this missense variant. However, the output from this modeling did not meet the statistical confidence thresholds required to predict the impact of this variant on COQ8A protein function. In summary, the available evidence is currently insufficient to determine the role of this variant in disease. Therefore, it has been classified as a Variant of Uncertain Significance.

GeneDx
Classification: Uncertain significance. Last evaluated: 2022-11-14. Review status: criteria provided, single submitter. Criteria: GeneDx Variant Classification Process June 2021. Collection method: clinical testing. Allele origin: germline. Affected: yes.
Comment: Not observed at significant frequency in large population cohorts (gnomAD); In silico analysis supports that this missense variant has a deleterious effect on protein structure/function; Has not been previously published as pathogenic or benign to our knowledge